The following is an entry in ClinVar:

ClinVar aggregate classification (germline): Uncertain significance (1 of 4 stars; one submission).

Submission:

GeneDx
Classification: Uncertain significance. Last evaluated: 2025-03-25. Review status: criteria provided, single submitter. Criteria: GeneDx Variant Classification Process June 2021. Collection method: clinical testing. Allele origin: germline. Affected: yes.
Comment: Not observed at significant frequency in large population cohorts (gnomAD); In silico analysis supports that this missense variant has a deleterious effect on protein structure/function; Has not been previously published as pathogenic or benign to our knowledge

NM_001161352.2(KCNMA1):c.3451T>G (p.Cys1151Gly)

Genes: KCNMA1-AS1 (KCNMA1 antisense RNA 1; plus strand), KCNMA1 (potassium calcium-activated channel subfamily M alpha 1; minus strand). Cytogenetic location: 10q22.3.
Variant type: single nucleotide variant.
Coding change: c.3451T>G on transcript NM_001161352.2 (MANE Select); coding-DNA position 3451, T replaced by G.
Protein change: p.Cys1151Gly; replaces cysteine 1151 with glycine.
Molecular consequence: missense variant.
Genome position (GRCh38, 1-based): chr10:76,889,461, A>C on the plus strand (T>G on the coding strand, the complement: KCNMA1 is on the minus strand). VCF-style: chr10-76889461-A-C. GRCh37 (hg19) VCF-style: chr10-78649219-A-C.
Other names: c.3379T>G, p.Cys1127Gly (NM_001322830.2); c.3277T>G, p.Cys1093Gly (NM_001322832.2, NM_001410940.1, NM_002247.4); c.3370T>G, p.Cys1124Gly (NM_001322835.2, NM_001322837.2); c.3286T>G, p.Cys1096Gly (NM_001322836.2, NM_001322829.2); c.2824T>G, p.Cys942Gly (NM_001322838.2); c.3409T>G, p.Cys1137Gly (NM_001437422.1); c.3364T>G, p.Cys1122Gly (NM_001437423.1); c.3289T>G, p.Cys1097Gly (NM_001014797.3); and 3 more; short protein forms C1122G, C1123G, C1043G, C1097G, C1124G, C1134G, C1137G, C1151G.
Identifiers: ClinVar variation 4087943 (VCV004087943.1).